The following is an entry in ClinVar:

ClinVar aggregate classification (germline): Benign. Review status: criteria provided, multiple submitters, no conflicts (2 of 4 stars). 2 submissions from 2 submitters: Benign (2). Last evaluated 2018-06-14.

Allele frequency attached by ClinVar (database versions not stated): 1000 Genomes Project 30x 0.31199; 1000 Genomes Project 0.31210; TOPMed 0.38045; gnomAD 0.40139.
gnomAD v4.1: 210,934 of 540,850 alleles (39%); highest among the groups gnomAD compares: Non-Finnish European, 43%; 42,836 homozygotes.

Submissions (2):

GeneDx
Classification: Benign. Last evaluated: 2018-06-14. Review status: criteria provided, single submitter. Criteria: GeneDx Variant Classification (06012015). Collection method: clinical testing. Allele origin: germline. Affected: yes.
Comment: This variant is considered likely benign or benign based on one or more of the following criteria: it is a conservative change, it occurs at a poorly conserved position in the protein, it is predicted to be benign by multiple in silico algorithms, and/or has population frequency not consistent with disease.

Breakthrough Genomics
Classification: Benign. Review status: criteria provided, single submitter. Criteria: ACMG Guidelines, 2015. Collection method: not provided. Allele origin: germline. Inheritance: Autosomal recessive inheritance. Affected: yes.

NM_212552.3(BOLA3):c.55-248T>G

Gene: BOLA3 (bolA family member 3; minus strand). Cytogenetic location: 2p13.1.
Variant type: single nucleotide variant.
Coding change: c.55-248T>G on transcript NM_212552.3 (MANE Select); 248 bases into the intron before coding-DNA position 55, T replaced by G.
Molecular consequence: intron variant.
Genome position (GRCh38, 1-based): chr2:74,145,551, A>C on the plus strand (T>G on the coding strand, the complement: BOLA3 is on the minus strand). VCF-style: chr2-74145551-A-C. GRCh37 (hg19) VCF-style: chr2-74372678-A-C.
Other names: c.55-248T>G (NM_001035505.2).
Identifiers: ClinVar variation 683410 (VCV000683410.2), dbSNP rs828888, ClinGen allele CA11252288.